The following is an entry in ClinVar:

ClinVar aggregate classification (germline): Uncertain significance (1 of 4 stars; one submission).

Submission:

GeneDx
Classification: Uncertain significance. Last evaluated: 2024-07-01. Review status: criteria provided, single submitter. Criteria: GeneDx Variant Classification Process June 2021. Collection method: clinical testing. Allele origin: germline. Affected: yes.
Comment: Not observed at significant frequency in large population cohorts (gnomAD); In silico analysis supports that this missense variant has a deleterious effect on protein structure/function; Has not been previously published as pathogenic or benign to our knowledge; This variant is associated with the following publications: (PMID: 21376300, 21820098, 26125038)

NM_001244008.2(KIF1A):c.268A>T (p.Asn90Tyr)

Gene: KIF1A (kinesin family member 1A; minus strand). Cytogenetic location: 2q37.3.
Variant type: single nucleotide variant.
Coding change: c.268A>T on transcript NM_001244008.2 (MANE Select); coding-DNA position 268, A replaced by T.
Protein change: p.Asn90Tyr; replaces asparagine 90 with tyrosine.
Molecular consequence: missense variant.
Genome position (GRCh38, 1-based): chr2:240,788,146, T>A on the plus strand (A>T on the coding strand, the complement: KIF1A is on the minus strand). VCF-style: chr2-240788146-T-A. GRCh37 (hg19) VCF-style: chr2-241727563-T-A.
Other names: c.268A>T, p.Asn90Tyr (NM_001320705.2, NM_001330289.2, NM_001330290.2 and 20 more transcripts); short protein forms N90Y.
Identifiers: ClinVar variation 3393808 (VCV003393808.1).